The following is an entry in ClinVar:

ClinVar aggregate classification (germline): Conflicting classifications of pathogenicity. Review status: criteria provided, conflicting classifications (1 of 4 stars). 5 submissions from 5 submitters: Pathogenic (2); Likely pathogenic (2); Uncertain significance (1). Last evaluated 2025-12-11.

Conditions:
Capillary malformation-arteriovenous malformation 2 (CMAVM2). Identifiers: Orphanet 693912, MedGen C4748670, MONDO:0020785, OMIM 618196.

Submissions (5):

Medical and Scientific Branch, Hong Kong Genome Institute
Classification: Likely pathogenic for Capillary malformation-arteriovenous malformation 2. Last evaluated: 2025-12-11. Review status: criteria provided, single submitter. Criteria: ACMG Guidelines, 2015. Collection method: clinical testing. Allele origin: germline. Affected: yes.

Labcorp Genetics (formerly Invitae), Labcorp
Classification: Pathogenic. Last evaluated: 2025-09-02. Review status: criteria provided, single submitter. Criteria: Invitae Variant Classification Sherloc (09022015). Collection method: clinical testing. Allele origin: germline.
Comment: This sequence change replaces asparagine, which is neutral and polar, with aspartic acid, which is acidic and polar, at codon 745 of the EPHB4 protein (p.Asn745Asp). This variant is not present in population databases (gnomAD no frequency). This missense change has been observed in individuals with capillary malformation-arteriovenous malformation (PMID: 28687708). It has also been observed to segregate with disease in related individuals. ClinVar contains an entry for this variant (Variation ID: 691543). Invitae Evidence Modeling of protein sequence and biophysical properties (such as structural, functional, and spatial information, amino acid conservation, physicochemical variation, residue mobility, and thermodynamic stability) indicates that this missense variant is expected to disrupt EPHB4 protein function with a positive predictive value of 95%. For these reasons, this variant has been classified as Pathogenic.

GeneDx
Classification: Uncertain significance. Last evaluated: 2023-06-09. Review status: criteria provided, single submitter. Criteria: GeneDx Variant Classification Process June 2021. Collection method: clinical testing. Allele origin: germline. Affected: yes.
Comment: Not observed at significant frequency in large population cohorts (gnomAD); In silico analysis supports that this missense variant has a deleterious effect on protein structure/function; This variant is associated with the following publications: (PMID: 30819650, 28687708)

Seattle Children's Hospital Molecular Genetics Laboratory, Seattle Children's Hospital
Classification: Pathogenic. Last evaluated: 2020-04-28. Review status: criteria provided, single submitter. Criteria: ACMG Guidelines, 2015. Collection method: clinical testing. Allele origin: germline. Affected: yes.
Comment: This pathogenic variant has been previously reported, carried by five affected individuals from two families (PMID: 28687708). The clinical presentation of all five individuals included capillary malformations and one was reported to have Parkes Weber syndrome. This is a conserved residue across species and in silico tools predict the p.Asn745Asp change is damaging to protein function (DANN, MutationTaster, and SIFT) versus no benign predictions.

SIB Swiss Institute of Bioinformatics
Classification: Likely pathogenic for Capillary malformation-arteriovenous malformation 2. Last evaluated: 2019-03-29. Review status: criteria provided, single submitter. Criteria: ACMG Guidelines, 2015. Collection method: curation. Allele origin: unknown.
Comment: This variant is interpreted as a Likely pathogenic for Capillary malformation-arteriovenous malformation 2. The following ACMG Tag(s) were applied: PP3: Multiple lines of computational evidence support a deleterious effect on the gene or gene product. PM2: Absent from controls (or at extremely low frequency if recessive) in Exome Sequencing Project, 1000 Genomes Project, or Exome Aggregation Consortium. PM1: Located in a mutational hot spot and/or critical and well-established functional domain (e.g., active site of an enzyme) without benign variation. PS4-Supporting: Recurrent variant (PS4 downgraded in strength to Supporting).

Literature cited by the submitters: PubMed 28687708 (cited by Labcorp Genetics (formerly Invitae), Labcorp and SIB Swiss Institute of Bioinformatics).

NM_004444.5(EPHB4):c.2233A>G (p.Asn745Asp)

Gene: EPHB4 (EPH receptor B4; minus strand). Cytogenetic location: 7q22.1.
Variant type: single nucleotide variant.
Coding change: c.2233A>G on transcript NM_004444.5 (MANE Select); coding-DNA position 2233, A replaced by G.
Protein change: p.Asn745Asp; replaces asparagine 745 with aspartic acid.
Molecular consequence: missense variant.
Genome position (GRCh38, 1-based): chr7:100,807,466, T>C on the plus strand (A>G on the coding strand, the complement: EPHB4 is on the minus strand). VCF-style: chr7-100807466-T-C. GRCh37 (hg19) VCF-style: chr7-100405088-T-C.
Other names: c.2233A>G (NM_004444.4); short protein forms N745D.
Identifiers: ClinVar variation 691543 (VCV000691543.8), dbSNP rs1584654433, ClinGen allele CA368568898.
Genomic context (GRCh38, chr7:100,807,466, plus strand): 5'-GGAATCGGGAAAGGCCAAAGTCAGACACTTTGCAGACGAGGTTGCTGTTGACTAGGATGT[T>C]GCGAGCAGCCAGGTCTCGGTGGACGTAGCTCATCTCGGCAAGGTACCGCATGCCCGAGGC-3'
Protein context (NP_004435.3, residues 735-755): SYVHRDLAAR[Asn745Asp]ILVNSNLVCK